The following is an entry in ClinVar:

ClinVar aggregate classification (germline): Likely benign (1 of 4 stars; one submission).

Conditions:
Autosomal recessive nonsyndromic hearing loss 30. Identifiers: Orphanet 90636, MedGen C1846784, MONDO:0011774, OMIM 607101.

Allele frequency attached by ClinVar (database versions not stated): gnomAD 0.01299 and 0.01399; 1000 Genomes Project 0.01438; 1000 Genomes Project 30x 0.01452; TOPMed 0.01535.

Submission:

Illumina Laboratory Services, Illumina
Classification: Likely benign for Autosomal recessive nonsyndromic hearing loss 30. Last evaluated: 2018-01-12. Review status: criteria provided, single submitter. Criteria: ICSL Variant Classification Criteria 13 December 2019. Collection method: clinical testing. Allele origin: germline.
Comment: This variant was observed in the ICSL laboratory as part of a predisposition screen in an ostensibly healthy population. It had not been previously curated by ICSL or reported in the Human Gene Mutation Database (HGMD: prior to June 1st, 2018), and was therefore a candidate for classification through an automated scoring system. Utilizing variant allele frequency, disease prevalence and penetrance estimates, and inheritance mode, an automated score was calculated to assess if this variant is too frequent to cause the disease. Based on the score and internal cut-off values, a variant classified as likely benign is not then subjected to further curation. The score for this variant resulted in a classification of likely benign for this disease.

NM_017433.5(MYO3A):c.-189C>G

Gene: MYO3A (myosin IIIA; plus strand). Cytogenetic location: 10p12.1.
Variant type: single nucleotide variant.
Coding change: c.-189C>G on transcript NM_017433.5 (MANE Select); 189 bases upstream of the start codon, C replaced by G.
Molecular consequence: 5 prime UTR variant.
Genome position (GRCh38, 1-based): chr10:25,934,244, C>G. VCF-style: chr10-25934244-C-G. GRCh37 (hg19) VCF-style: chr10-26223173-C-G.
Other names: c.-189C>G (NM_001368265.1).
Identifiers: ClinVar variation 299638 (VCV000299638.5), dbSNP rs188597967, ClinGen allele CA10631491.